The following is an entry in ClinVar:

NM_207037.2(TCF12):c.1129C>A (p.Pro377Thr)

Gene: TCF12 (transcription factor 12; plus strand). Cytogenetic location: 15q21.3.
Variant type: single nucleotide variant.
Coding change: c.1129C>A on transcript NM_207037.2 (MANE Select); coding-DNA position 1129, C replaced by A.
Protein change: p.Pro377Thr; replaces proline 377 with threonine.
Molecular consequence: missense variant.
Genome position (GRCh38, 1-based): chr15:57,251,364, C>A. VCF-style: chr15-57251364-C-A. GRCh37 (hg19) VCF-style: chr15-57543562-C-A.
Other names: c.619C>A, p.Pro207Thr (NM_001306219.3, NM_207040.2); c.421C>A, p.Pro141Thr (NM_001306220.3); c.1129C>A, p.Pro377Thr (NM_001322151.2, NM_001322152.2, NM_001322157.3 and 7 more transcripts); c.472C>A, p.Pro158Thr (NM_001322154.2); c.955C>A, p.Pro319Thr (NM_001322156.2, NM_001322158.2); c.1165C>A, p.Pro389Thr (NM_001322164.2); short protein forms P141T, P158T, P207T, P319T, P377T, P389T.
Identifiers: ClinVar variation 3767414 (VCV003767414.1).

ClinVar aggregate classification (germline): Uncertain significance (1 of 4 stars; one submission).

gnomAD v4.1: 5 of 1,613,894 alleles (0.00031%); highest among the groups gnomAD compares: Non-Finnish European, 0.00034%; no homozygotes.

Submission:

GeneDx
Classification: Uncertain significance. Last evaluated: 2024-09-04. Review status: criteria provided, single submitter. Criteria: GeneDx Variant Classification Process June 2021. Collection method: clinical testing. Allele origin: germline. Affected: yes.
Comment: In silico analysis supports that this missense variant has a deleterious effect on protein structure/function; Has not been previously published as pathogenic or benign to our knowledge